The following is an entry in ClinVar:

ClinVar aggregate classification (germline): Uncertain significance (0 of 4 stars; one submission).

Conditions:
RERE-related disorder. Also called: RERE-Related Disorders; RERE-related condition. Identifiers: MedGen CN381537.

Submission:

PreventionGenetics, part of Exact Sciences
Classification: Uncertain significance for RERE-related condition. Last evaluated: 2023-12-14. Review status: no assertion criteria provided. Collection method: clinical testing. Allele origin: germline.
Comment: The RERE c.4489A>C variant is predicted to result in the amino acid substitution p.Thr1497Pro. To our knowledge, this variant has not been reported in the literature or in a large population database, indicating this variant is rare. At this time, the clinical significance of this variant is uncertain due to the absence of conclusive functional and genetic evidence.

NM_001042681.2(RERE):c.4489A>C (p.Thr1497Pro)

Gene: RERE (arginine-glutamic acid dipeptide repeats; minus strand). Cytogenetic location: 1p36.23.
Variant type: single nucleotide variant.
Coding change: c.4489A>C on transcript NM_001042681.2 (MANE Select); coding-DNA position 4489, A replaced by C.
Protein change: p.Thr1497Pro; replaces threonine 1497 with proline.
Molecular consequence: missense variant.
Genome position (GRCh38, 1-based): chr1:8,355,597, T>G on the plus strand (A>C on the coding strand, the complement: RERE is on the minus strand). VCF-style: chr1-8355597-T-G. GRCh37 (hg19) VCF-style: chr1-8415657-T-G.
Other names: c.2827A>C, p.Thr943Pro (NM_001042682.2); c.4489A>C, p.Thr1497Pro (NM_012102.4); short protein forms T1497P, T943P.
Identifiers: ClinVar variation 3029935 (VCV003029935.2), dbSNP rs1570011038, ClinGen allele CA338168368.
Genomic context (GRCh38, chr1:8,355,597, plus strand): 5'-GCTGGTGGGCTGCTGACATGGGGGGTGGGATGGCCCCAGGCAGGTCACGGGGGTAGGGGG[T>G]GCCTGCCGAACACAAAACAACCTGCGCTACAGAAATAGCCAGAGGACTGGCCAAGACCAG-3'
Protein context (NP_001036146.1, residues 1487-1507): HEMLRHPVFG[Thr1497Pro]PYPRDLPGAI